The following is an entry in ClinVar:

ClinVar aggregate classification (germline): Conflicting classifications of pathogenicity. Review status: criteria provided, conflicting classifications (1 of 4 stars). 5 submissions from 5 submitters: Uncertain significance (1); Benign (2); Likely benign (2). Last evaluated 2026-01-14.

Conditions:
POLG-related disorder. Also called: POLG-Related Spectrum Disorders; POLG-related condition; POLG-Related Disorders. Identifiers: MedGen C4763519.
Progressive sclerosing poliodystrophy (MTDPS4A). Also called: Alpers Syndrome; Mitochondrial DNA depletion syndrome 4A (Alpers type); Alpers-Huttenlocher Syndrome (AHS); ALPERS PROGRESSIVE INFANTILE POLIODYSTROPHY; Mitochondrial DNA Depletion Syndrome 4A; NEURONAL DEGENERATION OF CHILDHOOD WITH LIVER DISEASE, PROGRESSIVE. Identifiers: Orphanet 726, MedGen C0205710, MONDO:0008758, OMIM 203700.

Allele frequency attached by ClinVar (database versions not stated): gnomAD 0.00014 and 0.00024; gnomAD exomes 0.00023 and 0.00074; TOPMed 0.00029; ExAC 0.00063; 1000 Genomes Project 0.00180; 1000 Genomes Project 30x 0.00187.
gnomAD v4.1: 379 of 1,609,376 alleles (0.024%); highest among the groups gnomAD compares: East Asian, 0.74%; 2 homozygotes.

Submissions (5):

Labcorp Genetics (formerly Invitae), Labcorp
Classification: Benign for Progressive sclerosing poliodystrophy. Last evaluated: 2026-01-14. Review status: criteria provided, single submitter. Criteria: Invitae Variant Classification Sherloc (09022015). Collection method: clinical testing. Allele origin: germline.

Blueprint Genetics
Classification: Likely benign. Last evaluated: 2024-10-09. Review status: criteria provided, single submitter. Criteria: ACMG Guidelines, 2015. Collection method: clinical testing. Allele origin: germline.

Wong Mito Lab, Molecular and Human Genetics, Baylor College of Medicine
Classification: Likely benign for Progressive sclerosing poliodystrophy. Last evaluated: 2018-10-01. Review status: criteria provided, single submitter. Criteria: ACMG Guidelines, 2015. Collection method: clinical testing. Allele origin: germline.
Comment: The NM_002693.2:c.2157+11C>T (NP_002684.1:p.=) [GRCH38: NC_000015.10:g.89323804G>A] variant in POLG gene is interpretated to be a Likely Benign based on ACMG guidelines (PMID: 25741868). This variant meets the following evidence codes reported in the ACMG-guideline. BP4:Computational evidence/predictors indicate no impact on the POLG structure, function, or protein-protein interaction. BP6:Reputable source(s) without shared data suggest the variant is benign. Based on the evidence criteria codes applied, the variant is suggested to be Likely Benign.

Illumina Laboratory Services, Illumina
Classification: Uncertain significance for POLG-Related Spectrum Disorders. Last evaluated: 2018-01-13. Review status: criteria provided, single submitter. Criteria: ICSL Variant Classification Criteria 13 December 2019. Collection method: clinical testing. Allele origin: germline.

GeneDx
Classification: Benign. Last evaluated: 2013-10-29. Review status: criteria provided, single submitter. Criteria: GeneDx Variant Classification (06012015). Collection method: clinical testing. Allele origin: germline. Affected: yes.
Comment: This variant is considered likely benign or benign based on one or more of the following criteria: it is a conservative change, it occurs at a poorly conserved position in the protein, it is predicted to be benign by multiple in silico algorithms, and/or has population frequency not consistent with disease.

NM_002693.3(POLG):c.2157+11C>T

Gene: POLG (DNA polymerase gamma, catalytic subunit; minus strand). Cytogenetic location: 15q26.1.
Variant type: single nucleotide variant.
Coding change: c.2157+11C>T on transcript NM_002693.3 (MANE Select); 11 bases into the intron after coding-DNA position 2157, C replaced by T.
Molecular consequence: intron variant.
Genome position (GRCh38, 1-based): chr15:89,323,804, G>A on the plus strand (C>T on the coding strand, the complement: POLG is on the minus strand). VCF-style: chr15-89323804-G-A. GRCh37 (hg19) VCF-style: chr15-89867035-G-A.
Other names: c.2157+11C>T (NM_001126131.2).
Identifiers: ClinVar variation 138746 (VCV000138746.12), dbSNP rs56411159, ClinGen allele CA292829.